The following is an entry in ClinVar:

NM_031471.6(FERMT3):c.1204+1G>T

Gene: FERMT3 (FERM domain containing kindlin 3; plus strand). Cytogenetic location: 11q13.1.
Variant type: single nucleotide variant.
Coding change: c.1204+1G>T on transcript NM_031471.6 (MANE Select); the canonical splice donor site of the intron after coding-DNA position 1204, G replaced by T.
Molecular consequence: splice donor variant.
Genome position (GRCh38, 1-based): chr11:64,220,016, G>T. VCF-style: chr11-64220016-G-T. GRCh37 (hg19) VCF-style: chr11-63987488-G-T.
Other names: c.1204+1G>T (NM_001382448.1, NM_001382361.1); c.1216+1G>T (NM_178443.3, NM_001382362.1); c.676+1G>T (NM_001382364.1); c.664+1G>T (NM_001382363.1).
Identifiers: ClinVar variation 3660341 (VCV003660341.2).

ClinVar aggregate classification (germline): Likely pathogenic (1 of 4 stars; one submission).

Conditions:
Leukocyte adhesion deficiency 3. Also called: Leukocyte adhesion deficiency, type III; INTEGRIN ACTIVATION DEFICIENCY DISEASE; LEUKOCYTE ADHESION DEFICIENCY 1 VARIANT. Identifiers: Orphanet 2968, Orphanet 99844, MedGen C2748536, MONDO:0013016, OMIM 612840.

gnomAD v4.1: 4 of 1,613,448 alleles (0.00025%); highest among the groups gnomAD compares: South Asian, 0.0011%; no homozygotes.

Submission:

Labcorp Genetics (formerly Invitae), Labcorp
Classification: Likely pathogenic for Leukocyte adhesion deficiency 3. Last evaluated: 2024-08-12. Review status: criteria provided, single submitter. Criteria: Invitae Variant Classification Sherloc (09022015). Collection method: clinical testing. Allele origin: germline.
Comment: This sequence change affects a donor splice site in intron 10 of the FERMT3 gene. It is expected to disrupt RNA splicing. Variants that disrupt the donor or acceptor splice site typically lead to a loss of protein function (PMID: 16199547), and loss-of-function variants in FERMT3 are known to be pathogenic (PMID: 19064721, 19234463, 22134107). This variant is present in population databases (no rsID available, gnomAD 0.003%). Disruption of this splice site has been observed in individual(s) with FERMT3-related conditions (Invitae). Algorithms developed to predict the effect of sequence changes on RNA splicing suggest that this variant may disrupt the consensus splice site. In summary, the currently available evidence indicates that the variant is pathogenic, but additional data are needed to prove that conclusively. Therefore, this variant has been classified as Likely Pathogenic.

Literature cited by the submitters: PubMed 16199547; PubMed 19064721; PubMed 19234463; PubMed 22134107.